The following is an entry in ClinVar:

ClinVar aggregate classification (germline): Uncertain significance (1 of 4 stars; one submission).

Conditions:
Cardiovascular phenotype. Identifiers: MedGen CN230736.

gnomAD v4.1: 1 of 1,614,236 alleles (0.000062%); no homozygotes.

Submission:

Ambry Genetics
Classification: Uncertain significance for Cardiovascular phenotype. Last evaluated: 2026-07-21. Review status: criteria provided, single submitter. Criteria: Ambry Variant Classification Scheme 2023. Collection method: clinical testing. Allele origin: germline.
Comment: The p.H1795Q variant (also known as c.5385C>G), located in coding exon 35 of the MYH7 gene, results from a C to G substitution at nucleotide position 5385. The histidine at codon 1795 is replaced by glutamine, an amino acid with highly similar properties. This amino acid position is conserved. In addition, this alteration is predicted to be tolerated by in silico analysis. Based on the available evidence, the clinical significance of this variant remains unclear.

NM_000257.4(MYH7):c.5385C>G (p.His1795Gln)

Gene: MYH7 (myosin heavy chain 7; minus strand). Cytogenetic location: 14q11.2.
Variant type: single nucleotide variant.
Coding change: c.5385C>G on transcript NM_000257.4 (MANE Select); coding-DNA position 5385, C replaced by G.
Protein change: p.His1795Gln; replaces histidine 1795 with glutamine.
Molecular consequence: missense variant.
Genome position (GRCh38, 1-based): chr14:23,415,169, G>C on the plus strand (C>G on the coding strand, the complement: MYH7 is on the minus strand). VCF-style: chr14-23415169-G-C. GRCh37 (hg19) VCF-style: chr14-23884378-G-C.
Other names: c.5385C>G, p.His1795Gln (NM_001407004.1); short protein forms H1795Q.
Identifiers: ClinVar variation 5025169 (VCV005025169.1).